The following is an entry in ClinVar:

NM_012254.3(SLC27A5):c.448G>A (p.Ala150Thr)

Gene: SLC27A5 (solute carrier family 27 member 5; minus strand). Cytogenetic location: 19q13.43.
Variant type: single nucleotide variant.
Coding change: c.448G>A on transcript NM_012254.3 (MANE Select); coding-DNA position 448, G replaced by A.
Protein change: p.Ala150Thr; replaces alanine 150 with threonine.
Molecular consequence: missense variant. On other transcripts: intron variant (1).
Genome position (GRCh38, 1-based): chr19:58,511,508, C>T on the plus strand (G>A on the coding strand, the complement: SLC27A5 is on the minus strand). VCF-style: chr19-58511508-C-T. GRCh37 (hg19) VCF-style: chr19-59022875-C-T.
Other names: c.436+12G>A (NM_001321196.2); c.448G>A (NM_012254.2); short protein forms A150T.
Identifiers: ClinVar variation 2715746 (VCV002715746.5), dbSNP rs775453374, ClinGen allele CA9718285.

ClinVar aggregate classification (germline): Uncertain significance. Review status: criteria provided, multiple submitters, no conflicts (2 of 4 stars). 3 submissions from 3 submitters: Uncertain significance (3). Last evaluated 2026-08-06.

Allele frequency attached by ClinVar (database versions not stated): gnomAD 0.00005; TOPMed 0.00009; ExAC 0.00010; gnomAD exomes 0.00017.
gnomAD v4.1: 245 of 1,571,676 alleles (0.016%); highest among the groups gnomAD compares: Admixed American, 0.032%; 1 homozygote.

Submissions (3):

OLLIN Analises Genomicas, OLLIN
Classification: Uncertain significance. Last evaluated: 2026-08-06. Review status: criteria provided, single submitter. Criteria: ACMG Guidelines 2015 PMID 25741868. Collection method: clinical testing. Allele origin: germline.
Comment: This missense variant, located in exon 1 (of 10), has been reported in ClinVar (accession VCV002715746.4) and in gnomAD with an allele frequency of 0.016%. However, to our knowledge, it has not been reported in the scientific literature. In silico analysis predicts that this variant has a tolerated effect. According to the currently available evidence, this variant has been classified as uncertain significance (PM2_P, BP4_S).

Ambry Genetics
Classification: Uncertain significance. Last evaluated: 2025-03-04. Review status: criteria provided, single submitter. Criteria: Ambry Variant Classification Scheme 2023. Collection method: clinical testing. Allele origin: germline.

Labcorp Genetics (formerly Invitae), Labcorp
Classification: Uncertain significance. Last evaluated: 2025-01-29. Review status: criteria provided, single submitter. Criteria: Invitae Variant Classification Sherloc (09022015). Collection method: clinical testing. Allele origin: germline.
Comment: This sequence change replaces alanine, which is neutral and non-polar, with threonine, which is neutral and polar, at codon 150 of the SLC27A5 protein (p.Ala150Thr). This variant is present in population databases (rs775453374, gnomAD 0.04%). This variant has not been reported in the literature in individuals affected with SLC27A5-related conditions. ClinVar contains an entry for this variant (Variation ID: 2715746). An algorithm developed to predict the effect of missense changes on protein structure and function outputs the following: PolyPhen-2: "Benign". The threonine amino acid residue is found in multiple mammalian species, which suggests that this missense change does not adversely affect protein function. In summary, the available evidence is currently insufficient to determine the role of this variant in disease. Therefore, it has been classified as a Variant of Uncertain Significance.